The following is an entry in ClinVar:

ClinVar aggregate classification (germline): Pathogenic (1 of 4 stars; one submission).

Conditions:
Schimke immuno-osseous dysplasia (SIOD). Also called: Schimke Immunoosseous Dysplasia. Identifiers: Orphanet 1830, MedGen C0877024, MONDO:0009458, OMIM 242900.

Submission:

Labcorp Genetics (formerly Invitae), Labcorp
Classification: Pathogenic for Schimke immuno-osseous dysplasia. Last evaluated: 2021-06-03. Review status: criteria provided, single submitter. Criteria: Invitae Variant Classification Sherloc (09022015). Collection method: clinical testing. Allele origin: germline.
Comment: This sequence change creates a premature translational stop signal (p.Gly836Alafs*10) in the SMARCAL1 gene. It is expected to result in an absent or disrupted protein product. Loss-of-function variants in SMARCAL1 are known to be pathogenic (PMID: 11799392, 20301550). This variant is not present in population databases (ExAC no frequency). This variant has not been reported in the literature in individuals with SMARCAL1-related conditions. For these reasons, this variant has been classified as Pathogenic.

Literature cited by the submitters: PubMed 11799392; PubMed 20301550.

NM_014140.4(SMARCAL1):c.2507del (p.Gly836fs)

Gene: SMARCAL1 (SNF2 related chromatin remodeling annealing helicase 1; plus strand). Cytogenetic location: 2q35.
Variant type: Deletion.
Coding change: c.2507del on transcript NM_014140.4 (MANE Select); coding-DNA position 2507, one base deleted (G; older notation c.2507delG).
Protein change: p.Gly836fs; shifts the reading frame from glycine 836.
Molecular consequence: frameshift variant.
Genome position (GRCh38, 1-based): chr2:216,477,188, G deleted; the last of 3 consecutive G bases (chr2:216,477,186-216,477,188); deleting any one gives the same sequence. VCF-style (leftmost placement, unchanged base first): chr2-216477185-AG-A. GRCh37 (hg19) VCF-style: chr2-217341908-AG-A.
Other names: c.2507del, p.Gly836fs (NM_001127207.2); short protein forms G836fs.
Identifiers: ClinVar variation 1358943 (VCV001358943.6), dbSNP rs2106088642, ClinGen allele CA2573135205.
Genomic context (GRCh38, chr2:216,477,185, plus strand): 5'-AGGACCGCGTGCACCGCATTGGACAGACCAGCTCCGTGGGCATTCACTACCTCGTGGCAA[AG>A]GGCACAGCTGATGACTACCTTTGGTATGGCTTGGTTGGGTGGCCTGGCAGTTGGAGTCGA-3'